The following is an entry in ClinVar:

ClinVar aggregate classification (germline): Uncertain significance (1 of 4 stars; one submission).

Allele frequency attached by ClinVar (database versions not stated): TOPMed below 0.00001.

Submission:

Labcorp Genetics (formerly Invitae), Labcorp
Classification: Uncertain significance. Last evaluated: 2022-08-18. Review status: criteria provided, single submitter. Criteria: Invitae Variant Classification Sherloc (09022015). Collection method: clinical testing. Allele origin: germline.
Comment: This sequence change replaces valine, which is neutral and non-polar, with leucine, which is neutral and non-polar, at codon 1460 of the LAMC3 protein (p.Val1460Leu). This variant is not present in population databases (gnomAD no frequency). This variant has not been reported in the literature in individuals affected with LAMC3-related conditions. Algorithms developed to predict the effect of missense changes on protein structure and function (SIFT, PolyPhen-2, Align-GVGD) all suggest that this variant is likely to be tolerated. In summary, the available evidence is currently insufficient to determine the role of this variant in disease. Therefore, it has been classified as a Variant of Uncertain Significance.

NM_006059.4(LAMC3):c.4378G>T (p.Val1460Leu)

Gene: LAMC3 (laminin subunit gamma 3; plus strand). Cytogenetic location: 9q34.12.
Variant type: single nucleotide variant.
Coding change: c.4378G>T on transcript NM_006059.4 (MANE Select); coding-DNA position 4378, G replaced by T.
Protein change: p.Val1460Leu; replaces valine 1460 with leucine.
Molecular consequence: missense variant.
Genome position (GRCh38, 1-based): chr9:131,087,718, G>T. VCF-style: chr9-131087718-G-T. GRCh37 (hg19) VCF-style: chr9-133963105-G-T.
Other names: short protein forms V1460L.
Identifiers: ClinVar variation 2131207 (VCV002131207.4), dbSNP rs1830357031, ClinGen allele CA375265871.